The following is an entry in ClinVar:

NM_014550.4(CARD10):c.21G>T (p.Ala7=)

Gene: CARD10 (caspase recruitment domain family member 10; minus strand). Cytogenetic location: 22q13.1.
Variant type: single nucleotide variant.
Coding change: c.21G>T on transcript NM_014550.4 (MANE Select); coding-DNA position 21, G replaced by T.
Protein change: p.Ala7=; no amino-acid change (alanine 7 retained).
Molecular consequence: synonymous variant.
Genome position (GRCh38, 1-based): chr22:37,519,180, C>A on the plus strand (G>T on the coding strand, the complement: CARD10 is on the minus strand). VCF-style: chr22-37519180-C-A. GRCh37 (hg19) VCF-style: chr22-37915187-C-A.
Identifiers: ClinVar variation 3052111 (VCV003052111.2), dbSNP rs777106332, ClinGen allele CA10220274.

ClinVar aggregate classification (germline): Likely benign (0 of 4 stars; one submission).

Conditions:
CARD10-related disorder. Also called: CARD10-related condition.

Allele frequency attached by ClinVar (database versions not stated): TOPMed 0.00017.
gnomAD v4.1: 69 of 1,532,514 alleles (0.0045%); highest among the groups gnomAD compares: Admixed American, 0.047%; no homozygotes.

Submission:

PreventionGenetics, part of Exact Sciences
Classification: Likely benign for CARD10-related condition. Last evaluated: 2020-01-31. Review status: no assertion criteria provided. Collection method: clinical testing. Allele origin: germline.
Comment: This variant is classified as likely benign based on ACMG/AMP sequence variant interpretation guidelines (Richards et al. 2015 PMID: 25741868, with internal and published modifications).